The following is an entry in ClinVar:

NM_000271.5(NPC1):c.1783A>G (p.Lys595Glu)

Gene: NPC1 (NPC intracellular cholesterol transporter 1; minus strand). Cytogenetic location: 18q11.2.
Variant type: single nucleotide variant.
Coding change: c.1783A>G on transcript NM_000271.5 (MANE Select); coding-DNA position 1783, A replaced by G.
Protein change: p.Lys595Glu; replaces lysine 595 with glutamic acid.
Molecular consequence: missense variant.
Genome position (GRCh38, 1-based): chr18:23,545,124, T>C on the plus strand (A>G on the coding strand, the complement: NPC1 is on the minus strand). VCF-style: chr18-23545124-T-C. GRCh37 (hg19) VCF-style: chr18-21125088-T-C.
Other names: short protein forms K595E.
Identifiers: ClinVar variation 1444400 (VCV001444400.3), dbSNP rs2145406160, ClinGen allele CA401773255.

ClinVar aggregate classification (germline): Uncertain significance (1 of 4 stars; one submission).

Conditions:
Niemann-Pick disease, type C1. Also called: NIEMANN-PICK DISEASE, VARIANT TYPE C1; NEUROVISCERAL STORAGE DISEASE WITH VERTICAL SUPRANUCLEAR OPHTHALMOPLEGIA; NIEMANN-PICK DISEASE WITH CHOLESTEROL ESTERIFICATION BLOCK; NIEMANN-PICK DISEASE WITHOUT SPHINGOMYELINASE DEFICIENCY; NIEMANN-PICK DISEASE, CHRONIC NEURONOPATHIC FORM. Identifiers: Orphanet 646, MedGen C3179455, MONDO:0009757, OMIM 257220.

Allele frequency attached by ClinVar (database versions not stated): gnomAD exomes below 0.00001.
gnomAD v4.1: 1 of 1,613,226 alleles (0.000062%); highest among the groups gnomAD compares: Non-Finnish European, 0.000085%; no homozygotes.

Submission:

Labcorp Genetics (formerly Invitae), Labcorp
Classification: Uncertain significance for Niemann-Pick disease, type C1. Last evaluated: 2021-10-23. Review status: criteria provided, single submitter. Criteria: Invitae Variant Classification Sherloc (09022015). Collection method: clinical testing. Allele origin: germline.
Comment: This sequence change replaces lysine with glutamic acid at codon 595 of the NPC1 protein (p.Lys595Glu). The lysine residue is moderately conserved and there is a small physicochemical difference between lysine and glutamic acid. This variant is not present in population databases (ExAC no frequency). This variant has not been reported in the literature in individuals affected with NPC1-related conditions. Advanced modeling of protein sequence and biophysical properties (such as structural, functional, and spatial information, amino acid conservation, physicochemical variation, residue mobility, and thermodynamic stability) performed at Invitae indicates that this missense variant is not expected to disrupt NPC1 protein function. In summary, the available evidence is currently insufficient to determine the role of this variant in disease. Therefore, it has been classified as a Variant of Uncertain Significance.